The following is an entry in ClinVar:

ClinVar aggregate classification (germline): Uncertain significance. Review status: criteria provided, multiple submitters, no conflicts (2 of 4 stars). 5 submissions from 5 submitters: Uncertain significance (4). 1 of the submissions does not count toward it. Last evaluated 2026-05-11.

Conditions:
Hereditary cancer-predisposing syndrome. Also called: Hereditary Cancer Syndrome; Neoplastic Syndromes, Hereditary; Tumor predisposition; Hereditary neoplastic syndrome. Identifiers: Orphanet 140162, MedGen C0027672, MeSH D009386, MONDO:0015356.
Ataxia-telangiectasia syndrome (AT). Also called: Cerebello-oculocutaneous telangiectasia; Immunodeficiency with ataxia telangiectasia; Ataxia-telangiectasia, complementation group E; Ataxia-telangiectasia, complementation group D; AT, COMPLEMENTATION GROUP C; ATAXIA-TELANGIECTASIA, COMPLEMENTATION GROUP A. Identifiers: Orphanet 100, MedGen C0004135, MONDO:0008840, OMIM 208900.

Allele frequency attached by ClinVar (database versions not stated): gnomAD exomes below 0.00001.
gnomAD v4.1: 1 of 1,614,094 alleles (0.000062%); highest among the groups gnomAD compares: Non-Finnish European, 0.000085%; no homozygotes.

Submissions (5):

Women's Health and Genetics/Laboratory Corporation of America, LabCorp
Classification: Uncertain significance. Last evaluated: 2026-05-11. Review status: criteria provided, single submitter. Criteria: LabCorp Variant Classification Summary - May 2015. Collection method: clinical testing. Allele origin: germline.
Comment: Variant summary: ATM c.6859G>A (p.Gly2287Arg) results in a non-conservative amino acid change in the encoded protein sequence. Algorithms developed to predict the effects of missense changes on protein structure and function are either unavailable or disagree on the potential impact of this missense change. The variant was absent in 251222 control chromosomes. The available data on variant occurrences in the general population are insufficient to allow any conclusion about variant significance. c.6859G>A has been observed in an individual affected with Pancreatic Cancer (Yin_2022). This report does not provide unequivocal conclusions about the association of the variant with disease. To our knowledge, no experimental evidence demonstrating an impact on protein function has been reported. The following publication has been ascertained in the context of this evaluation (PMID: 35171259). ClinVar contains an entry for this variant (Variation ID: 524233). Based on the evidence outlined above, the variant was classified as uncertain significance.

Labcorp Genetics (formerly Invitae), Labcorp
Classification: Uncertain significance for Ataxia-telangiectasia syndrome. Last evaluated: 2024-04-15. Review status: criteria provided, single submitter. Criteria: Invitae Variant Classification Sherloc (09022015). Collection method: clinical testing. Allele origin: germline.
Comment: This sequence change replaces glycine, which is neutral and non-polar, with arginine, which is basic and polar, at codon 2287 of the ATM protein (p.Gly2287Arg). This variant is not present in population databases (gnomAD no frequency). This variant has not been reported in the literature in individuals affected with ATM-related conditions. ClinVar contains an entry for this variant (Variation ID: 524233). An algorithm developed to predict the effect of missense changes on protein structure and function (PolyPhen-2) suggests that this variant is likely to be tolerated. Algorithms developed to predict the effect of sequence changes on RNA splicing suggest that this variant may disrupt the consensus splice site. In summary, the available evidence is currently insufficient to determine the role of this variant in disease. Therefore, it has been classified as a Variant of Uncertain Significance.

Ambry Genetics
Classification: Uncertain significance for Hereditary cancer-predisposing syndrome. Last evaluated: 2020-07-23. Review status: criteria provided, single submitter. Criteria: Ambry Variant Classification Scheme 2023. Collection method: clinical testing. Allele origin: germline.
Comment: The p.G2287R variant (also known as c.6859G>A), located in coding exon 46 of the ATM gene, results from a G to A substitution at nucleotide position 6859. The glycine at codon 2287 is replaced by arginine, an amino acid with dissimilar properties. This amino acid position is not well conserved in available vertebrate species. In addition, this alteration is predicted to be tolerated by in silico analysis. Since supporting evidence is limited at this time, the clinical significance of this alteration remains unclear.

Athena Diagnostics
Classification: Uncertain significance. Last evaluated: 2019-11-06. Review status: criteria provided, single submitter. Criteria: Athena Diagnostics Criteria. Collection method: clinical testing. Allele origin: unknown.

Natera, Inc.
Classification: Uncertain significance for Ataxia-telangiectasia. Last evaluated: 2025-01-31. Review status: no assertion criteria provided. Collection method: clinical testing. Allele origin: germline. Not counted in ClinVar's aggregate classification.

Literature cited by the submitters: PubMed 35171259 (cited by Women's Health and Genetics/Laboratory Corporation of America, LabCorp).

NM_000051.4(ATM):c.6859G>A (p.Gly2287Arg)

Genes: ATM (ATM serine/threonine kinase; plus strand), C11orf65 (chromosome 11 open reading frame 65; minus strand). Cytogenetic location: 11q22.3.
Variant type: single nucleotide variant.
Coding change: c.6859G>A on transcript NM_000051.4 (MANE Select); coding-DNA position 6859, G replaced by A.
Protein change: p.Gly2287Arg; replaces glycine 2287 with arginine.
Molecular consequence: missense variant. On other transcripts: intron variant (2).
Genome position (GRCh38, 1-based): chr11:108,326,109, G>A. VCF-style: chr11-108326109-G-A. GRCh37 (hg19) VCF-style: chr11-108196836-G-A.
Other names: c.6859G>A, p.Gly2287Arg (NM_001351834.2); c.641-17038C>T (NM_001330368.2); c.*38+9111C>T (NM_001351110.2); short protein forms G2287R.
Identifiers: ClinVar variation 524233 (VCV000524233.15), dbSNP rs1181779478, ClinGen allele CA382556715.